The following is an entry in ClinVar:

NM_002458.3(MUC5B):c.2880+3G>A

Gene: MUC5B (mucin 5B, oligomeric mucus/gel-forming; plus strand). Cytogenetic location: 11p15.5.
Variant type: single nucleotide variant.
Coding change: c.2880+3G>A on transcript NM_002458.3 (MANE Select); 3 bases into the intron after coding-DNA position 2880, G replaced by A.
Molecular consequence: intron variant.
Genome position (GRCh38, 1-based): chr11:1,235,416, G>A. VCF-style: chr11-1235416-G-A. GRCh37 (hg19) VCF-style: chr11-1256646-G-A.
Identifiers: ClinVar variation 4534221 (VCV004534221.6).
Genomic context (GRCh38, chr11:1,235,416, plus strand): 5'-CATCCCCTGTGGGACCACCGGCACCACCTGCTCCAAGGCCATCAAGCTCTTCGTGGAGGT[G>A]AGAACGGCCCCAGCTGTGAGCACCCCCGACCCTGCAGCCAACGAGCCGGCCCCCAGGGAA-3'

ClinVar aggregate classification (germline): Likely benign (1 of 4 stars; one submission).

gnomAD v4.1: 134 of 1,610,202 alleles (0.0083%); highest among the groups gnomAD compares: African/African-American, 0.16%; no homozygotes.

Submission:

CeGaT Center for Human Genetics Tuebingen
Classification: Likely benign. Last evaluated: 2025-10-01. Review status: criteria provided, single submitter. Criteria: CeGaT Center For Human Genetics Tuebingen Variant Classification Criteria Version 2. Collection method: clinical testing. Allele origin: germline. Affected: yes. Observed: 1 variant allele.
Comment: MUC5B: BP4, BS1